The following is an entry in ClinVar:

NM_001371279.1(REEP1):c.182+1G>A

Gene: REEP1 (receptor accessory protein 1; minus strand). Cytogenetic location: 2p11.2.
Variant type: single nucleotide variant.
Coding change: c.182+1G>A on transcript NM_001371279.1 (MANE Select); the canonical splice donor site of the intron after coding-DNA position 182, G replaced by A.
Molecular consequence: splice donor variant.
Genome position (GRCh38, 1-based): chr2:86,263,964, C>T on the plus strand (G>A on the coding strand, the complement: REEP1 is on the minus strand). VCF-style: chr2-86263964-C-T. GRCh37 (hg19) VCF-style: chr2-86491087-C-T.
Other names: c.203+1G>A (NM_001164730.2); c.101+1G>A (NM_001164731.2); c.182+1G>A (NM_001164732.2, NM_001371280.1, NM_022912.3 and 2 more transcripts).
Identifiers: ClinVar variation 4814030 (VCV004814030.1).

ClinVar aggregate classification (germline): Likely pathogenic (1 of 4 stars; one submission).

Conditions:
Hereditary spastic paraplegia 31. Also called: SPASTIC PARAPLEGIA 31, AUTOSOMAL DOMINANT. Identifiers: Orphanet 101011, MedGen C1853247, MONDO:0012453, OMIM 610250.

Submission:

Centre de Génétique Humaine, Institut de Pathologie Et de Génétique
Classification: Likely pathogenic for Hereditary spastic paraplegia 31. Last evaluated: 2026-03-03. Review status: criteria provided, single submitter. Criteria: ACMG Guidelines, 2015. Collection method: clinical testing. Allele origin: paternal, unknown. Inheritance: Autosomal dominant inheritance. Affected: yes. Observed: 6 variant alleles, 6 heterozygotes. Clinical features observed: Spastic paraplegia (HP:0001258), Spastic tetraparesis (HP:0001285).
Comment: The variant affects a highly conserved nucleotide (phyloP: 7.70 [-19.0, 10.9]) and it is absent from gnomAD (v 4.1.0) database. It is located at the cannonical splice donnor site (+1) of intron 3 and it is predited to destroy this site (MaxEnt: -100.0%, NNSPLICE: -100.0%, SSF: -100.0%, GeneSplicer: -100.0%, SpliceAI score (max): 1.0). The splicing defect will probably lead to non-sense mediated decay/the production of a truncated protein. LoF variants in REEP1 gene are classified as pathogenic (PMID: 18321925, 18644145, 32655478). Another variant (c.183-2A>G) affecting the splice acceptor site of intron 3 is reported as pathogenic on ClinVar (VCV000001860.5) and in one family with dominantly-inherited hereditary spastic paraplegia (PMID: 16826527).

Literature cited by the submitters: PubMed 18321925; PubMed 18644145; PubMed 32655478; PubMed 16826527.